The following is an entry in ClinVar:

NM_005228.5(EGFR):c.1057G>T (p.Ala353Ser)

Genes: EGFR (epidermal growth factor receptor; plus strand), LOC126860048 (P300/CBP strongly-dependent group 1 enhancer GRCh37_chr7:55223847-55225046; plus strand). Cytogenetic location: 7p11.2.
Variant type: single nucleotide variant.
Coding change: c.1057G>T on transcript NM_005228.5 (MANE Select); coding-DNA position 1057, G replaced by T.
Protein change: p.Ala353Ser; replaces alanine 353 with serine.
Molecular consequence: missense variant.
Genome position (GRCh38, 1-based): chr7:55,156,583, G>T. VCF-style: chr7-55156583-G-T. GRCh37 (hg19) VCF-style: chr7-55224276-G-T.
Other names: c.922G>T, p.Ala308Ser (NM_001346897.2, NM_001346899.2); c.1057G>T, p.Ala353Ser (NM_001346898.2, NM_201282.2, NM_201283.2 and 1 more transcripts); c.898G>T, p.Ala300Ser (NM_001346900.2); c.256G>T, p.Ala86Ser (NM_001346941.2); short protein forms A86S, A308S, A300S, A353S.
Identifiers: ClinVar variation 2130154 (VCV002130154.4), dbSNP rs2128938273, ClinGen allele CA367578295.
Genomic context (GRCh38, chr7:55,156,583, plus strand): 5'-ATCTCTGCAGTGTGTAACGGAATAGGTATTGGTGAATTTAAAGACTCACTCTCCATAAAT[G>T]CTACGAATATTAAACACTTCAAAAACTGCACCTCCATCAGTGGCGATCTCCACATCCTGC-3'
Protein context (NP_005219.2, residues 343-363): GEFKDSLSIN[Ala353Ser]TNIKHFKNCT

ClinVar aggregate classification (germline): Uncertain significance (1 of 4 stars; one submission).

Conditions:
EGFR-related lung cancer (EGFR). Identifiers: MedGen CN130014.

Allele frequency attached by ClinVar (database versions not stated): gnomAD exomes below 0.00001.
gnomAD v4.1: 1 of 1,614,218 alleles (0.000062%); highest among the groups gnomAD compares: Non-Finnish European, 0.000085%; no homozygotes.

Submission:

Labcorp Genetics (formerly Invitae), Labcorp
Classification: Uncertain significance for EGFR-related lung cancer. Last evaluated: 2022-04-24. Review status: criteria provided, single submitter. Criteria: Invitae Variant Classification Sherloc (09022015). Collection method: clinical testing. Allele origin: germline.
Comment: This variant is not present in population databases (gnomAD no frequency). In summary, the available evidence is currently insufficient to determine the role of this variant in disease. Therefore, it has been classified as a Variant of Uncertain Significance. Algorithms developed to predict the effect of missense changes on protein structure and function are either unavailable or do not agree on the potential impact of this missense change (SIFT: "Tolerated"; PolyPhen-2: "Possibly Damaging"; Align-GVGD: "Class C0"). This variant has not been reported in the literature in individuals affected with EGFR-related conditions. This sequence change replaces alanine, which is neutral and non-polar, with serine, which is neutral and polar, at codon 353 of the EGFR protein (p.Ala353Ser).